The following is an entry in ClinVar:

ClinVar aggregate classification (germline): Uncertain significance (1 of 4 stars; one submission).

gnomAD v4.1: 4 of 1,613,688 alleles (0.00025%); highest among the groups gnomAD compares: Non-Finnish European, 0.00034%; no homozygotes.

Submission:

Labcorp Genetics (formerly Invitae), Labcorp
Classification: Uncertain significance. Last evaluated: 2020-02-02. Review status: criteria provided, single submitter. Criteria: Invitae Variant Classification Sherloc (09022015). Collection method: clinical testing. Allele origin: germline.
Comment: In summary, the available evidence is currently insufficient to determine the role of this variant in disease. Therefore, it has been classified as a Variant of Uncertain Significance. Nucleotide substitutions within the consensus splice site are a relatively common cause of aberrant splicing (PMID: 17576681, 9536098). Algorithms developed to predict the effect of sequence changes on RNA splicing suggest that this variant may disrupt the consensus splice site, but this prediction has not been confirmed by published transcriptional studies. Algorithms developed to predict the effect of missense changes on protein structure and function are either unavailable or do not agree on the potential impact of this missense change (SIFT: "Deleterious"; PolyPhen-2: "Benign"; Align-GVGD: "Class C0"). This variant has not been reported in the literature in individuals with IMPG1-related conditions. This variant is not present in population databases (ExAC no frequency). This sequence change replaces glutamic acid with lysine at codon 379 of the IMPG1 protein (p.Glu379Lys). The glutamic acid residue is highly conserved and there is a small physicochemical difference between glutamic acid and lysine. This variant also falls at the last nucleotide of exon 10 of the IMPG1 coding sequence, which is part of the consensus splice site for this exon.

Literature cited by the submitters: PubMed 17576681; PubMed 9536098.

NM_001563.4(IMPG1):c.1135G>A (p.Glu379Lys)

Gene: IMPG1 (interphotoreceptor matrix proteoglycan 1; minus strand). Cytogenetic location: 6q14.1.
Variant type: single nucleotide variant.
Coding change: c.1135G>A on transcript NM_001563.4 (MANE Select); coding-DNA position 1135, G replaced by A.
Protein change: p.Glu379Lys; replaces glutamic acid 379 with lysine.
Molecular consequence: missense variant.
Genome position (GRCh38, 1-based): chr6:76,005,287, C>T on the plus strand (G>A on the coding strand, the complement: IMPG1 is on the minus strand). VCF-style: chr6-76005287-C-T. GRCh37 (hg19) VCF-style: chr6-76715004-C-T.
Other names: c.901G>A, p.Glu301Lys (NM_001282368.2); short protein forms E301K, E379K.
Identifiers: ClinVar variation 1020855 (VCV001020855.9), dbSNP rs1422297549, ClinGen allele CA364772811.